The following is an entry in ClinVar:

ClinVar aggregate classification (germline): Likely benign. Review status: criteria provided, multiple submitters, no conflicts (2 of 4 stars). 2 submissions from 2 submitters: Likely benign (2). Last evaluated 2025-07-01.

Allele frequency attached by ClinVar (database versions not stated): gnomAD 0.00001; gnomAD exomes 0.00002; TOPMed 0.00002.
gnomAD v4.1: 15 of 741,566 alleles (0.002%); highest among the groups gnomAD compares: Non-Finnish European, 0.0034%; no homozygotes.

Submissions (2):

CeGaT Center for Human Genetics Tuebingen
Classification: Likely benign. Last evaluated: 2025-07-01. Review status: criteria provided, single submitter. Criteria: CeGaT Center For Human Genetics Tuebingen Variant Classification Criteria Version 2. Collection method: clinical testing. Allele origin: germline. Affected: yes. Observed: 1 variant allele.
Comment: AUTS2: BP4, BP7

Labcorp Genetics (formerly Invitae), Labcorp
Classification: Likely benign. Last evaluated: 2024-05-05. Review status: criteria provided, single submitter. Criteria: Invitae Variant Classification Sherloc (09022015). Collection method: clinical testing. Allele origin: germline.

NM_015570.4(AUTS2):c.1257A>G (p.Pro419=)

Gene: AUTS2 (activator of transcription and developmental regulator AUTS2; plus strand). Cytogenetic location: 7q11.22.
Variant type: single nucleotide variant.
Coding change: c.1257A>G on transcript NM_015570.4 (MANE Select); coding-DNA position 1257, A replaced by G.
Protein change: p.Pro419=; no amino-acid change (proline 419 retained).
Molecular consequence: synonymous variant.
Genome position (GRCh38, 1-based): chr7:70,764,794, A>G. VCF-style: chr7-70764794-A-G. GRCh37 (hg19) VCF-style: chr7-70229780-A-G.
Other names: c.1257A>G, p.Pro419= (NM_001127231.3).
Identifiers: ClinVar variation 736276 (VCV000736276.14), dbSNP rs900790027, ClinGen allele CA160024477.